The following is an entry in ClinVar:

NM_012186.3(FOXE3):c.64G>A (p.Val22Ile)

Genes: FOXE3 (forkhead box E3; plus strand), LINC01389 (long independently transcribed non-coding RNA 1389; minus strand). Cytogenetic location: 1p33.
Variant type: single nucleotide variant.
Coding change: c.64G>A on transcript NM_012186.3 (MANE Select); coding-DNA position 64, G replaced by A.
Protein change: p.Val22Ile; replaces valine 22 with isoleucine.
Molecular consequence: missense variant.
Genome position (GRCh38, 1-based): chr1:47,416,379, G>A. VCF-style: chr1-47416379-G-A. GRCh37 (hg19) VCF-style: chr1-47882051-G-A.
Other names: short protein forms V22I.
Identifiers: ClinVar variation 2949820 (VCV002949820.3), dbSNP rs2521314921, ClinGen allele CA340248962.

ClinVar aggregate classification (germline): Uncertain significance (1 of 4 stars; one submission).

Conditions:
Anterior segment dysgenesis. Also called: Ocular anterior segment dysgenesis. Identifiers: Orphanet 88632, MedGen C1862839, MONDO:0019503, HP:0007700.
Congenital primary aphakia. Also called: Anterior segment dysgenesis 2, multiple subtypes; ANTERIOR SEGMENT DYSGENESIS 2. Identifiers: Orphanet 83461, MedGen C1853230, MONDO:0012456, OMIM 610256.

Submission:

Labcorp Genetics (formerly Invitae), Labcorp
Classification: Uncertain significance for Anterior segment dysgenesis; Congenital primary aphakia. Last evaluated: 2023-07-13. Review status: criteria provided, single submitter. Criteria: Invitae Variant Classification Sherloc (09022015). Collection method: clinical testing. Allele origin: germline.
Comment: This sequence change replaces valine, which is neutral and non-polar, with isoleucine, which is neutral and non-polar, at codon 22 of the FOXE3 protein (p.Val22Ile). This variant is not present in population databases (gnomAD no frequency). This variant has not been reported in the literature in individuals affected with FOXE3-related conditions. An algorithm developed to predict the effect of missense changes on protein structure and function (PolyPhen-2) suggests that this variant is likely to be tolerated. In summary, the available evidence is currently insufficient to determine the role of this variant in disease. Therefore, it has been classified as a Variant of Uncertain Significance.